The following is an entry in ClinVar:

ClinVar aggregate classification (germline): Likely benign (0 of 4 stars; one submission).

Conditions:
COL4A1-related disorder. Also called: COL4A1-related disorders; COL4A1-related condition. Identifiers: MedGen CN376119, MONDO:0800461.

Submission:

PreventionGenetics, part of Exact Sciences
Classification: Likely benign for COL4A1-related condition. Last evaluated: 2023-08-29. Review status: no assertion criteria provided. Collection method: clinical testing. Allele origin: germline.
Comment: This variant is classified as likely benign based on ACMG/AMP sequence variant interpretation guidelines (Richards et al. 2015 PMID: 25741868, with internal and published modifications).

NM_001845.6(COL4A1):c.1023A>G (p.Gly341=)

Gene: COL4A1 (collagen type IV alpha 1 chain; minus strand). Cytogenetic location: 13q34.
Variant type: single nucleotide variant.
Coding change: c.1023A>G on transcript NM_001845.6 (MANE Select); coding-DNA position 1023, A replaced by G.
Protein change: p.Gly341=; no amino-acid change (glycine 341 retained).
Molecular consequence: synonymous variant.
Genome position (GRCh38, 1-based): chr13:110,201,499, T>C on the plus strand (A>G on the coding strand, the complement: COL4A1 is on the minus strand). VCF-style: chr13-110201499-T-C. GRCh37 (hg19) VCF-style: chr13-110853846-T-C.
Other names: c.1023A>G, p.Gly341= (NM_001303110.2).
Identifiers: ClinVar variation 3032557 (VCV003032557.2), dbSNP rs2501569036, ClinGen allele CA484791299.